The following is an entry in ClinVar:

NM_004793.4(LONP1):c.343A>G (p.Met115Val)

Genes: LONP1 (lon peptidase 1, mitochondrial; minus strand), LOC130063270 (ATAC-STARR-seq lymphoblastoid silent region 9931; plus strand). Cytogenetic location: 19p13.3.
Variant type: single nucleotide variant.
Coding change: c.343A>G on transcript NM_004793.4 (MANE Select); coding-DNA position 343, A replaced by G.
Protein change: p.Met115Val; replaces methionine 115 with valine.
Molecular consequence: missense variant. On other transcripts: non-coding transcript variant (1), intron variant (1).
Genome position (GRCh38, 1-based): chr19:5,719,790, T>C on the plus strand (A>G on the coding strand, the complement: LONP1 is on the minus strand). VCF-style: chr19-5719790-T-C. GRCh37 (hg19) VCF-style: chr19-5719801-T-C.
Other names: c.151A>G, p.Met51Val (NM_001276479.2); c.-160+429A>G (NM_001276480.1); short protein forms M115V, M51V.
Identifiers: ClinVar variation 3368178 (VCV003368178.1).

ClinVar aggregate classification (germline): Uncertain significance (1 of 4 stars; one submission).

Submission:

GeneDx
Classification: Uncertain significance. Last evaluated: 2024-01-25. Review status: criteria provided, single submitter. Criteria: GeneDx Variant Classification Process June 2021. Collection method: clinical testing. Allele origin: germline. Affected: yes.
Comment: Not observed at significant frequency in large population cohorts (gnomAD); In silico analysis supports that this missense variant does not alter protein structure/function; Has not been previously published as pathogenic or benign to our knowledge